The following is an entry in ClinVar:

ClinVar aggregate classification (germline): Pathogenic (1 of 4 stars; one submission).

Conditions:
Duchenne muscular dystrophy (DMD). Also called: MUSCULAR DYSTROPHY, PSEUDOHYPERTROPHIC PROGRESSIVE, DUCHENNE TYPE; Duchenne Muscular Dystrophy (DMD). Identifiers: Orphanet 98896, MedGen C0013264, MONDO:0010679, OMIM 310200.

Submission:

Labcorp Genetics (formerly Invitae), Labcorp
Classification: Pathogenic for Duchenne muscular dystrophy. Last evaluated: 2023-01-19. Review status: criteria provided, single submitter. Criteria: Invitae Variant Classification Sherloc (09022015). Collection method: clinical testing. Allele origin: unknown.
Comment: For these reasons, this variant has been classified as Pathogenic. A similar copy number variant has been observed in individual(s) with DMD-related conditions (PMID: 11409318, 31139960). This variant is a gross deletion of the genomic region encompassing exon(s) 16-17 of the DMD gene. This deletion is out-of-frame, and is expected to create a premature termination codon and result in an absent or disrupted protein product. Loss-of-function variants in DMD are known to be pathogenic (PMID: 16770791, 25007885).

Literature cited by the submitters: PubMed 11409318; PubMed 31139960; PubMed 16770791; PubMed 25007885.

NC_000023.10:g.(?_32563256)_(32584018_?)del

Gene: DMD (dystrophin; minus strand). Cytogenetic location: Xp21.1.
Variant type: Deletion.
Identifiers: ClinVar variation 3244805 (VCV003244805.1).